The following is an entry in ClinVar:

ClinVar aggregate classification (germline): Likely pathogenic (1 of 4 stars; one submission).

gnomAD v4.1: 9 of 1,613,242 alleles (0.00056%); highest among the groups gnomAD compares: Non-Finnish European, 0.00076%; no homozygotes.

Submission:

GeneDx
Classification: Likely pathogenic. Last evaluated: 2024-01-26. Review status: criteria provided, single submitter. Criteria: GeneDx Variant Classification Process June 2021. Collection method: clinical testing. Allele origin: germline. Affected: yes.
Comment: Canonical splice site variant predicted to result in an in-frame loss of the adjacent exon in a gene for which loss of function is a known mechanism of disease; Not observed at significant frequency in large population cohorts (gnomAD); Has not been previously published as pathogenic or benign to our knowledge

NM_133261.3(GIPC3):c.226-2A>G

Gene: GIPC3 (GIPC PDZ domain containing family member 3; plus strand). Cytogenetic location: 19p13.3.
Variant type: single nucleotide variant.
Coding change: c.226-2A>G on transcript NM_133261.3 (MANE Select); the canonical splice acceptor site of the intron before coding-DNA position 226, A replaced by G.
Molecular consequence: splice acceptor variant.
Genome position (GRCh38, 1-based): chr19:3,586,493, A>G. VCF-style: chr19-3586493-A-G. GRCh37 (hg19) VCF-style: chr19-3586491-A-G.
Other names: c.226-2A>G (NM_001411144.1).
Identifiers: ClinVar variation 3341064 (VCV003341064.1).